The following is an entry in ClinVar:

ClinVar aggregate classification (germline): Uncertain significance (1 of 4 stars; one submission).

Conditions:
Familial cancer of breast. Also called: hereditary breast carcinoma; Hereditary breast cancer; BREAST CANCER, FAMILIAL. Identifiers: Orphanet 227535, MedGen C0346153, MONDO:0016419, OMIM 114480. Disease mechanism: loss of function.

Submission:

Labcorp Genetics (formerly Invitae), Labcorp
Classification: Uncertain significance for Familial cancer of breast. Last evaluated: 2019-08-07. Review status: criteria provided, single submitter. Criteria: Invitae Variant Classification Sherloc (09022015). Collection method: clinical testing. Allele origin: germline.
Comment: This sequence change replaces lysine with threonine at codon 302 of the BARD1 protein (p.Lys302Thr). The lysine residue is highly conserved and there is a moderate physicochemical difference between lysine and threonine. In summary, the available evidence is currently insufficient to determine the role of this variant in disease. Therefore, it has been classified as a Variant of Uncertain Significance. Algorithms developed to predict the effect of missense changes on protein structure and function output the following: SIFT: "Tolerated"; PolyPhen-2: "Benign"; Align-GVGD: "Class C0". The threonine amino acid residue is found in multiple mammalian species, suggesting that this missense change does not adversely affect protein function. These predictions have not been confirmed by published functional studies and their clinical significance is uncertain. This variant has not been reported in the literature in individuals with BARD1-related conditions. This variant is not present in population databases (ExAC no frequency).

NM_000465.4(BARD1):c.905A>C (p.Lys302Thr)

Gene: BARD1 (BRCA1 associated RING domain 1; minus strand). Cytogenetic location: 2q35.
Variant type: single nucleotide variant.
Coding change: c.905A>C on transcript NM_000465.4 (MANE Select); coding-DNA position 905, A replaced by C.
Protein change: p.Lys302Thr; replaces lysine 302 with threonine.
Molecular consequence: missense variant. On other transcripts: non-coding transcript variant (2), intron variant (3).
Genome position (GRCh38, 1-based): chr2:214,780,969, T>G on the plus strand (A>C on the coding strand, the complement: BARD1 is on the minus strand). VCF-style: chr2-214780969-T-G. GRCh37 (hg19) VCF-style: chr2-215645693-T-G.
Other names: c.848A>C, p.Lys283Thr (NM_001282543.2); c.159-28414A>C (NM_001282548.2); c.215+16092A>C (NM_001282545.2); c.364+11328A>C (NM_001282549.2); short protein forms K283T, K302T.
Identifiers: ClinVar variation 955308 (VCV000955308.10), dbSNP rs1553622357, ClinGen allele CA350455110.
Genomic context (GRCh38, chr2:214,780,969, plus strand): 5'-CGTTTTCCATTATTTTCTAATGGCAAAGATTTCTTAGATGTAAGATAATTTTTGCAGACC[T>G]TCTCAGGAGTCACTACTTCATTCCTGCTCTTAGTGTCTGGAGACTCTATTTGCTCAGCCA-3'
Protein context (NP_000456.2, residues 292-312): KSRNEVVTPE[Lys302Thr]VCKNYLTSKK